The following is an entry in ClinVar:

NM_000334.4(SCN4A):c.1462G>A (p.Ala488Thr)

Gene: SCN4A (sodium voltage-gated channel alpha subunit 4; minus strand). Cytogenetic location: 17q23.3.
Variant type: single nucleotide variant.
Coding change: c.1462G>A on transcript NM_000334.4 (MANE Select); coding-DNA position 1462, G replaced by A.
Protein change: p.Ala488Thr; replaces alanine 488 with threonine.
Molecular consequence: missense variant.
Genome position (GRCh38, 1-based): chr17:63,963,816, C>T on the plus strand (G>A on the coding strand, the complement: SCN4A is on the minus strand). VCF-style: chr17-63963816-C-T. GRCh37 (hg19) VCF-style: chr17-62041176-C-T.
Other names: short protein forms A488T.
Identifiers: ClinVar variation 324540 (VCV000324540.43), dbSNP rs185941768, ClinGen allele CA8709830.
Genomic context (GRCh38, chr17:63,963,816, plus strand): 5'-CATTGCAGTCTTTGCCATGGGCTGGGTCCCCATCTGCCTCCCCACCTTCCAGAGCTTGGG[C>T]GGCCTTGGCCTGTAGACCAGCAAGAGTGACTGGCAGGAAGTCCAGCTCTGAGCCAGAGGG-3'
Protein context (NP_000325.4, residues 478-498): HQEELEKAKA[Ala488Thr]QALEGGEADG

ClinVar aggregate classification (germline): Conflicting classifications of pathogenicity. Review status: criteria provided, conflicting classifications (1 of 4 stars). 10 submissions from 6 submitters: Uncertain significance (2); Benign (5); Likely benign (3). Last evaluated 2026-01-12.

Conditions:
SCN4A-related disorder. Also called: SCN4A-related disorders.
Congenital myasthenic syndrome 16. Identifiers: Orphanet 590, MedGen C3280112, MONDO:0013620, OMIM 614198.
Hyperkalemic periodic paralysis. Also called: Familial hyperkalemic periodic paralysis; Gamstorp disease. Identifiers: Orphanet 682, MedGen C0238357, MONDO:0008224, OMIM 170500, HP:0007215.
Paramyotonia congenita of Von Eulenburg. Also called: Paramyotonia Congenita; PARALYSIS PERIODICA PARAMYOTONICA; Eulenburg disease; Myotonia congenita intermittens; Von Eulenburg paramyotonia congenita. Identifiers: Orphanet 684, MedGen C0221055, MONDO:0008195, OMIM 168300. Disease mechanism: loss of function.
Hypokalemic periodic paralysis, type 2 (HOKPP2). Identifiers: Orphanet 681, MedGen C2750061, MONDO:0013234, OMIM 613345.
Potassium-aggravated myotonia. Also called: Myotonia congenita, atypical, acetazolamide-responsive; MYOTONIA CONGENITA, ACETAZOLAMIDE-RESPONSIVE; MYOTONIA CONGENITA, ATYPICAL; SODIUM CHANNEL MUSCLE DISEASE. Identifiers: Orphanet 612, Orphanet 99734, Orphanet 99735, Orphanet 99736, MedGen C2931826, MONDO:0018959, OMIM 608390.

Allele frequency attached by ClinVar (database versions not stated): 1000 Genomes Project 30x 0.00016; TOPMed 0.00046; gnomAD exomes 0.00049 and 0.00057; 1000 Genomes Project 0.00020; ESP Exome Variant Server 0.00040; gnomAD 0.00058 and 0.00059; ExAC 0.00080.
gnomAD v4.1: 796 of 1,600,316 alleles (0.05%); highest among the groups gnomAD compares: Non-Finnish European, 0.059%; no homozygotes.

Submissions (10):

Labcorp Genetics (formerly Invitae), Labcorp
Classification: Likely benign for Hyperkalemic periodic paralysis. Last evaluated: 2026-01-12. Review status: criteria provided, single submitter. Criteria: Invitae Variant Classification Sherloc (09022015). Collection method: clinical testing. Allele origin: germline.

CeGaT Center for Human Genetics Tuebingen
Classification: Likely benign. Last evaluated: 2025-07-01. Review status: criteria provided, single submitter. Criteria: CeGaT Center For Human Genetics Tuebingen Variant Classification Criteria Version 2. Collection method: clinical testing. Allele origin: germline. Affected: yes. Observed: 3 variant alleles.
Comment: SCN4A: BP4

PreventionGenetics, part of Exact Sciences
Classification: Likely benign for SCN4A-related condition. Last evaluated: 2025-04-24. Review status: criteria provided, single submitter. Criteria: ACMG Guidelines, 2015. Collection method: clinical testing. Allele origin: germline.
Comment: This variant is classified as likely benign based on ACMG/AMP sequence variant interpretation guidelines (Richards et al. 2015 PMID: 25741868, with internal and published modifications).

GeneDx
Classification: Uncertain significance. Last evaluated: 2021-05-17. Review status: criteria provided, single submitter. Criteria: GeneDx Variant Classification Process June 2021. Collection method: clinical testing. Allele origin: germline. Affected: yes.
Comment: Observed in an individual with hyperkalemic periodic paralysis, but no additional information was provided (Charles et al., 2013); In silico analysis supports that this missense variant does not alter protein structure/function; This variant is associated with the following publications: (PMID: 23884711)

Illumina Laboratory Services, Illumina
Classification: Benign for Paramyotonia congenita of Von Eulenburg. Last evaluated: 2018-01-13. Review status: criteria provided, single submitter. Criteria: ICSL Variant Classification Criteria 13 December 2019. Collection method: clinical testing. Allele origin: germline.
Comment: This variant was observed in the ICSL laboratory as part of a predisposition screen in an ostensibly healthy population. It had not been previously curated by ICSL or reported in the Human Gene Mutation Database (HGMD: prior to June 1st, 2018), and was therefore a candidate for classification through an automated scoring system. Utilizing variant allele frequency, disease prevalence and penetrance estimates, and inheritance mode, an automated score was calculated to assess if this variant is too frequent to cause the disease. Based on the score and internal cut-off values, a variant classified as benign is not then subjected to further curation. The score for this variant resulted in a classification of benign for this disease.

Illumina Laboratory Services, Illumina
Classification: Benign for Potassium-aggravated myotonia. Last evaluated: 2018-01-13. Review status: criteria provided, single submitter. Criteria: ICSL Variant Classification Criteria 13 December 2019. Collection method: clinical testing. Allele origin: germline.
Comment: the same text as in the submission from Illumina Laboratory Services, Illumina above.

Illumina Laboratory Services, Illumina
Classification: Benign for Hypokalemic periodic paralysis, type 2. Last evaluated: 2018-01-13. Review status: criteria provided, single submitter. Criteria: ICSL Variant Classification Criteria 13 December 2019. Collection method: clinical testing. Allele origin: germline.
Comment: the same text as in the submission from Illumina Laboratory Services, Illumina above.

Illumina Laboratory Services, Illumina
Classification: Uncertain significance for Congenital myasthenic syndrome 16. Last evaluated: 2018-01-13. Review status: criteria provided, single submitter. Criteria: ICSL Variant Classification Criteria 13 December 2019. Collection method: clinical testing. Allele origin: germline.

Illumina Laboratory Services, Illumina
Classification: Benign for Hyperkalemic periodic paralysis. Last evaluated: 2018-01-13. Review status: criteria provided, single submitter. Criteria: ICSL Variant Classification Criteria 13 December 2019. Collection method: clinical testing. Allele origin: germline.
Comment: the same text as in the submission from Illumina Laboratory Services, Illumina above.

Athena Diagnostics
Classification: Benign. Last evaluated: 2017-06-06. Review status: criteria provided, single submitter. Criteria: Athena Diagnostics Criteria. Collection method: clinical testing. Allele origin: germline.

Literature cited by the submitters: PubMed 23884711 (cited by Athena Diagnostics).